The following is an entry in ClinVar:

NM_030632.3(ASXL3):c.1351C>T (p.Gln451Ter)

Gene: ASXL3 (ASXL transcriptional regulator 3; plus strand). Cytogenetic location: 18q12.1.
Variant type: single nucleotide variant.
Coding change: c.1351C>T on transcript NM_030632.3 (MANE Select); coding-DNA position 1351, C replaced by T.
Protein change: p.Gln451Ter; replaces glutamine 451 with a stop codon.
Molecular consequence: nonsense.
Genome position (GRCh38, 1-based): chr18:33,738,755, C>T. VCF-style: chr18-33738755-C-T. GRCh37 (hg19) VCF-style: chr18-31318719-C-T.
Other names: short protein forms Q451*.
Identifiers: ClinVar variation 598774 (VCV000598774.2), dbSNP rs1179499890, ClinGen allele CA402175117.

ClinVar aggregate classification (germline): Pathogenic. Review status: criteria provided, multiple submitters, no conflicts (2 of 4 stars). 2 submissions from 2 submitters: Pathogenic (2). Last evaluated 2024-07-02.

Conditions:
Bainbridge-Ropers syndrome. Also called: Severe feeding difficulties-failure to thrive-microcephaly due to ASXL3 deficiency syndrome. Identifiers: Orphanet 352577, MedGen C4750837, MONDO:0014205, OMIM 615485.

Submissions (2):

GeneDx
Classification: Pathogenic. Last evaluated: 2024-07-02. Review status: criteria provided, single submitter. Criteria: GeneDx Variant Classification Process June 2021. Collection method: clinical testing. Allele origin: germline. Affected: yes.
Comment: Nonsense variant predicted to result in protein truncation or nonsense mediated decay in a gene for which loss of function is a known mechanism of disease; Not observed at significant frequency in large population cohorts (gnomAD); Has not been previously published as pathogenic or benign to our knowledge

MVZ Martinsried, Medicover Genetics
Classification: Pathogenic for Bainbridge-Ropers syndrome. Last evaluated: 2018-07-20. Review status: criteria provided, single submitter. Criteria: ACMG Guidelines, 2015. Collection method: research. Allele origin: de novo. Affected: yes.